The following is an entry in ClinVar:

ClinVar aggregate classification (germline): Uncertain significance (1 of 4 stars; one submission).

Conditions:
GNAS-related disorder. Identifiers: MedGen CN380105.

gnomAD v4.1: 7 of 1,604,760 alleles (0.00044%); highest among the groups gnomAD compares: Non-Finnish European, 0.0006%; no homozygotes.

Submission:

PreventionGenetics, part of Exact Sciences
Classification: Uncertain significance for GNAS-related condition. Last evaluated: 2026-06-16. Review status: criteria provided, single submitter. Criteria: ACMG Guidelines, 2015. Collection method: clinical testing. Allele origin: germline.
Comment: The GNAS c.550C>T variant is predicted to result in the amino acid substitution p.Leu184Phe. To our knowledge, this variant has not been reported in the literature. This variant is reported in 0.0034% of alleles in individuals of European (Non-Finnish) descent in gnomAD. At this time, the clinical significance of this variant is uncertain due to the absence of conclusive functional and genetic evidence.

NM_080425.4(GNAS):c.550C>T (p.Leu184Phe)

Gene: GNAS (GNAS complex locus; plus strand). Cytogenetic location: 20q13.32.
Variant type: single nucleotide variant.
Coding change: c.550C>T on transcript NM_080425.4 (MANE Plus Clinical); coding-DNA position 550, C replaced by T.
Protein change: p.Leu184Phe; replaces leucine 184 with phenylalanine.
Molecular consequence: missense variant. On other transcripts: synonymous variant (2), intron variant (3).
Genome position (GRCh38, 1-based): chr20:58,853,815, C>T. VCF-style: chr20-58853815-C-T. GRCh37 (hg19) VCF-style: chr20-57428870-C-T.
Other names: c.363C>T, p.Thr121= (NM_001077490.3, NM_001309883.1); c.550C>T, p.Leu184Phe (NM_001410913.1); c.*42+12929C>T (NM_016592.5); c.43+12929C>T (NM_001410912.1); c.-39+11940C>T (NM_001309861.2); short protein forms L184F.
Identifiers: ClinVar variation 4989719 (VCV004989719.1).